The following is an entry in ClinVar:

NM_000019.4(ACAT1):c.418C>T (p.Leu140Phe)

Gene: ACAT1 (acetyl-CoA acetyltransferase 1; plus strand). Cytogenetic location: 11q22.3.
Variant type: single nucleotide variant.
Coding change: c.418C>T on transcript NM_000019.4 (MANE Select); coding-DNA position 418, C replaced by T.
Protein change: p.Leu140Phe; replaces leucine 140 with phenylalanine.
Molecular consequence: missense variant.
Genome position (GRCh38, 1-based): chr11:108,135,225, C>T. VCF-style: chr11-108135225-C-T. GRCh37 (hg19) VCF-style: chr11-108005952-C-T.
Other names: short protein forms L140F.
Identifiers: ClinVar variation 1002823 (VCV001002823.8), dbSNP rs2077446791, ClinGen allele CA382506864.

ClinVar aggregate classification (germline): Uncertain significance (1 of 4 stars; one submission).

Conditions:
Deficiency of acetyl-CoA acetyltransferase. Also called: MITOCHONDRIAL ACETOACETYL-CoA THIOLASE DEFICIENCY; 3-KETOTHIOLASE DEFICIENCY; 3-OXOTHIOLASE DEFICIENCY; Beta-ketothiolase deficiency. Identifiers: Orphanet 134, MedGen C1536500, MONDO:0008760, OMIM 203750. Disease mechanism: loss of function.

Submission:

Labcorp Genetics (formerly Invitae), Labcorp
Classification: Uncertain significance for Deficiency of acetyl-CoA acetyltransferase. Last evaluated: 2020-06-30. Review status: criteria provided, single submitter. Criteria: Invitae Variant Classification Sherloc (09022015). Collection method: clinical testing. Allele origin: germline.
Comment: This sequence change replaces leucine with phenylalanine at codon 140 of the ACAT1 protein (p.Leu140Phe). The leucine residue is moderately conserved and there is a small physicochemical difference between leucine and phenylalanine. This variant is not present in population databases (ExAC no frequency). This variant has been observed in individual(s) with beta-ketothiolase deficiency (Invitae). Algorithms developed to predict the effect of missense changes on protein structure and function are either unavailable or do not agree on the potential impact of this missense change (SIFT: "Deleterious"; PolyPhen-2: "Possibly Damaging"; Align-GVGD: "Class C0"). This variant disrupts the p.Leu140 amino acid residue in ACAT1. Other variant(s) that disrupt this residue have been observed in individuals with ACAT1-related conditions (PMID: 30835345), which suggests that this may be a clinically significant amino acid residue. In summary, the available evidence is currently insufficient to determine the role of this variant in disease. Therefore, it has been classified as a Variant of Uncertain Significance.

Literature cited by the submitters: PubMed 30835345.